The following is an entry in ClinVar:

NM_016239.4(MYO15A):c.*628C>G

Gene: MYO15A (myosin XVA; plus strand). Cytogenetic location: 17p11.2.
Variant type: single nucleotide variant.
Coding change: c.*628C>G on transcript NM_016239.4 (MANE Select); 628 bases downstream of the stop codon, C replaced by G.
Molecular consequence: 3 prime UTR variant.
Genome position (GRCh38, 1-based): chr17:18,179,498, C>G. VCF-style: chr17-18179498-C-G. GRCh37 (hg19) VCF-style: chr17-18082812-C-G.
Identifiers: ClinVar variation 322192 (VCV000322192.5), dbSNP rs55973639, ClinGen allele CA10639127.

ClinVar aggregate classification (germline): Likely benign (1 of 4 stars; one submission).

Conditions:
Autosomal recessive nonsyndromic hearing loss 3. Also called: NEUROSENSORY NONSYNDROMIC RECESSIVE DEAFNESS 3. Identifiers: Orphanet 90636, MedGen C1838263, MONDO:0010860, OMIM 600316.

Allele frequency attached by ClinVar (database versions not stated): gnomAD exomes 0.00575; TOPMed 0.01906; 1000 Genomes Project 0.02157; 1000 Genomes Project 30x 0.02264.
gnomAD v4.1: 2,702 of 160,260 alleles (1.7%); highest among the groups gnomAD compares: African/African-American, 5%; 56 homozygotes.

Submission:

Illumina Laboratory Services, Illumina
Classification: Likely benign for Autosomal recessive nonsyndromic hearing loss 3. Last evaluated: 2018-01-12. Review status: criteria provided, single submitter. Criteria: ICSL Variant Classification Criteria 13 December 2019. Collection method: clinical testing. Allele origin: germline.
Comment: This variant was observed in the ICSL laboratory as part of a predisposition screen in an ostensibly healthy population. It had not been previously curated by ICSL or reported in the Human Gene Mutation Database (HGMD: prior to June 1st, 2018), and was therefore a candidate for classification through an automated scoring system. Utilizing variant allele frequency, disease prevalence and penetrance estimates, and inheritance mode, an automated score was calculated to assess if this variant is too frequent to cause the disease. Based on the score and internal cut-off values, a variant classified as likely benign is not then subjected to further curation. The score for this variant resulted in a classification of likely benign for this disease.